The following is an entry in ClinVar:

NM_018451.5(CPAP):c.3477+144G>A

Genes: CPAP (centrosome assembly and centriole elongation protein; minus strand), RNF17 (ring finger protein 17; plus strand). Cytogenetic location: 13q12.12.
Variant type: single nucleotide variant.
Coding change: c.3477+144G>A on transcript NM_018451.5 (MANE Select); 144 bases into the intron after coding-DNA position 3477, G replaced by A.
Molecular consequence: intron variant.
Genome position (GRCh38, 1-based): chr13:24,885,132, C>T on the plus strand (G>A on the coding strand, the complement: CPAP is on the minus strand). VCF-style: chr13-24885132-C-T. GRCh37 (hg19) VCF-style: chr13-25459270-C-T.
Identifiers: ClinVar variation 680183 (VCV000680183.1), dbSNP rs12864973, ClinGen allele CA13913582.

ClinVar aggregate classification (germline): Benign (1 of 4 stars; one submission).

Allele frequency attached by ClinVar (database versions not stated): TOPMed 0.13953; gnomAD 0.13987 and 0.14352; 1000 Genomes Project 0.14097; 1000 Genomes Project 30x 0.14101; gnomAD exomes 0.17950.
gnomAD v4.1: 110,503 of 650,076 alleles (17%); highest among the groups gnomAD compares: Admixed American, 30%; 11,060 homozygotes.

Submission:

GeneDx
Classification: Benign. Last evaluated: 2018-06-16. Review status: criteria provided, single submitter. Criteria: GeneDx Variant Classification (06012015). Collection method: clinical testing. Allele origin: germline. Affected: yes.
Comment: This variant is considered likely benign or benign based on one or more of the following criteria: it is a conservative change, it occurs at a poorly conserved position in the protein, it is predicted to be benign by multiple in silico algorithms, and/or has population frequency not consistent with disease.